The following is an entry in ClinVar:

ClinVar aggregate classification (germline): Likely benign. Review status: criteria provided, multiple submitters, no conflicts (2 of 4 stars). 5 submissions from 5 submitters: Likely benign (3). 2 of the submissions do not count toward it. Last evaluated 2024-03-07.

Conditions:
Hereditary acrodermatitis enteropathica (AEZ). Also called: Acrodermatitis enteropathica. Identifiers: Orphanet 37, MedGen C0221036, MONDO:0008713, OMIM 201100.
SLC39A4-related disorder. Also called: SLC39A4-related condition.

Allele frequency attached by ClinVar (database versions not stated): gnomAD exomes 0.00002 and 0.00006; ExAC 0.00011; ESP Exome Variant Server 0.00023; gnomAD 0.00033 and 0.00034; TOPMed 0.00039; 1000 Genomes Project 0.00040; 1000 Genomes Project 30x 0.00047.
gnomAD v4.1: 81 of 1,595,106 alleles (0.0051%); highest among the groups gnomAD compares: African/African-American, 0.099%; no homozygotes.

Submissions (5):

Labcorp Genetics (formerly Invitae), Labcorp
Classification: Likely benign. Last evaluated: 2024-03-07. Review status: criteria provided, single submitter. Criteria: Invitae Variant Classification Sherloc (09022015). Collection method: clinical testing. Allele origin: germline.

Blueprint Genetics
Classification: Likely benign. Last evaluated: 2022-07-17. Review status: criteria provided, single submitter. Criteria: ACMG Guidelines, 2015. Collection method: clinical testing. Allele origin: germline.

Breakthrough Genomics
Classification: Likely benign. Review status: criteria provided, single submitter. Criteria: ACMG Guidelines, 2015. Collection method: not provided. Allele origin: germline. Inheritance: Autosomal recessive inheritance. Affected: yes.

PreventionGenetics, part of Exact Sciences
Classification: Likely benign for SLC39A4-related condition. Last evaluated: 2020-09-01. Review status: no assertion criteria provided. Collection method: clinical testing. Allele origin: germline. Not counted in ClinVar's aggregate classification.
Comment: This variant is classified as likely benign based on ACMG/AMP sequence variant interpretation guidelines (Richards et al. 2015 PMID: 25741868, with internal and published modifications).

Natera, Inc.
Classification: Uncertain significance for Acrodermatitis enteropathica. Last evaluated: 2020-08-08. Review status: no assertion criteria provided. Collection method: clinical testing. Allele origin: germline. Not counted in ClinVar's aggregate classification.

NM_130849.4(SLC39A4):c.324G>A (p.Glu108=)

Gene: SLC39A4 (solute carrier family 39 member 4; minus strand). Cytogenetic location: 8q24.3.
Variant type: single nucleotide variant.
Coding change: c.324G>A on transcript NM_130849.4 (MANE Select); coding-DNA position 324, G replaced by A.
Protein change: p.Glu108=; no amino-acid change (glutamic acid 108 retained).
Molecular consequence: synonymous variant. On other transcripts: intron variant (1).
Genome position (GRCh38, 1-based): chr8:144,415,960, C>T on the plus strand (G>A on the coding strand, the complement: SLC39A4 is on the minus strand). VCF-style: chr8-144415960-C-T. GRCh37 (hg19) VCF-style: chr8-145641344-C-T.
Other names: c.249G>A, p.Glu83= (NM_017767.3); c.193-541G>A (NM_001374839.1); c.324G>A (NM_130849.3).
Identifiers: ClinVar variation 990604 (VCV000990604.12), dbSNP rs149365806, ClinGen allele CA4941739.